The following is an entry in ClinVar:

NM_001013742.4(DGKK):c.87T>A (p.Pro29=)

Gene: DGKK (diacylglycerol kinase kappa; minus strand). Cytogenetic location: Xp11.22.
Variant type: single nucleotide variant.
Coding change: c.87T>A on transcript NM_001013742.4 (MANE Select); coding-DNA position 87, T replaced by A.
Protein change: p.Pro29=; no amino-acid change (proline 29 retained).
Molecular consequence: synonymous variant.
Genome position (GRCh38, 1-based): chrX:50,470,592, A>T on the plus strand (T>A on the coding strand, the complement: DGKK is on the minus strand). VCF-style: chrX-50470592-A-T. GRCh37 (hg19) VCF-style: chrX-50213591-A-T.
Identifiers: ClinVar variation 2660553 (VCV002660553.24), dbSNP rs1285907540, ClinGen allele CA516680801.

ClinVar aggregate classification (germline): Likely benign (1 of 4 stars; one submission).

Allele frequency attached by ClinVar (database versions not stated): gnomAD 0.00001; TOPMed 0.00001; gnomAD exomes 0.00004.
gnomAD v4.1: 39 of 1,191,550 alleles (0.0033%); highest among the groups gnomAD compares: Non-Finnish European, 0.0044%; no homozygotes.

Submission:

CeGaT Center for Human Genetics Tuebingen
Classification: Likely benign. Last evaluated: 2022-11-01. Review status: criteria provided, single submitter. Criteria: CeGaT Center For Human Genetics Tuebingen Variant Classification Criteria Version 2. Collection method: clinical testing. Allele origin: germline. Affected: yes. Observed: 1 variant allele.
Comment: DGKK: BP4, BP7